The following is an entry in ClinVar:

NC_012920.1(MT-ND4):m.10895A>G

Gene: MT-ND4 (mitochondrially encoded NADH dehydrogenase 4; plus strand).
Variant type: single nucleotide variant.
Genome position: chrM-10895-A-G.
Identifiers: ClinVar variation 693322 (VCV000693322.1), dbSNP rs1603223008, ClinGen allele CA414807405.

ClinVar aggregate classification (germline): Benign (1 of 4 stars; one submission).

Conditions:
Leigh syndrome (NULS). Also called: Leigh's necrotizing encephalopathy; Leigh's disease; Leigh Syndrome (mtDNA deletion); Leigh Disease; Subacute necrotizing encephalopathy; Necrotizing encephalopathy infantile subacute of Leigh. Identifiers: Orphanet 506, MedGen C2931891, MONDO:0009723, OMIM 256000.

Submission:

Wong Mito Lab, Molecular and Human Genetics, Baylor College of Medicine
Classification: Benign for Leigh syndrome. Last evaluated: 2019-10-17. Review status: criteria provided, single submitter. Criteria: Modified ACMG Guidelines (Unpublished). Collection method: clinical testing. Allele origin: germline.
Comment: The NC_012920.1:m.10895A>G (YP_003024035.1:p.Asn46Asp) variant in MTND4 gene is interpretated to be a Benign variant based on the modified ACMG guidelines (unpublished). This variant meets the following evidence codes: BS1, BS2, BP4